The following is an entry in ClinVar:

NM_003482.4(KMT2D):c.14878C>T (p.Arg4960Ter)

Gene: KMT2D (lysine methyltransferase 2D; minus strand). Cytogenetic location: 12q13.12.
Variant type: single nucleotide variant.
Coding change: c.14878C>T on transcript NM_003482.4 (MANE Select); coding-DNA position 14878, C replaced by T.
Protein change: p.Arg4960Ter; replaces arginine 4960 with a stop codon.
Molecular consequence: nonsense.
Genome position (GRCh38, 1-based): chr12:49,027,088, G>A on the plus strand (C>T on the coding strand, the complement: KMT2D is on the minus strand). VCF-style: chr12-49027088-G-A. GRCh37 (hg19) VCF-style: chr12-49420871-G-A.
Other names: short protein forms R4960*.
Identifiers: ClinVar variation 547499 (VCV000547499.9), dbSNP rs1555185969, ClinGen allele CA384691434.

ClinVar aggregate classification (germline): Pathogenic. Review status: criteria provided, multiple submitters, no conflicts (2 of 4 stars). 5 submissions from 5 submitters: Pathogenic (4). 1 of the submissions does not count toward it. Last evaluated 2024-03-21.

Conditions:
KMT2D-related disorder. Also called: KMT2D-Related Disorders.
Kabuki syndrome. Also called: NIIKAWA-KUROKI SYNDROME; Kabuki make-up syndrome. Identifiers: Orphanet 2322, MedGen C0796004, MONDO:0016512.
Multiple congenital anomalies/dysmorphic syndrome-intellectual disability. Identifiers: Orphanet 102283, MedGen C5680372, MONDO:0015159.
Kabuki syndrome 1 (KABUK1). Also called: KMT2D-Related Kabuki Syndrome. Identifiers: Orphanet 2322, MedGen CN030661, MONDO:0007843, OMIM 147920.
Inborn genetic diseases. Identifiers: MedGen C0950123, MeSH D030342.

Submissions (5):

Ambry Genetics
Classification: Pathogenic for Inborn genetic diseases. Last evaluated: 2024-03-21. Review status: criteria provided, single submitter. Criteria: Ambry Variant Classification Scheme 2023. Collection method: clinical testing. Allele origin: germline.
Comment: The c.14878C>T (p.R4960*) alteration, located in exon 48 (coding exon 48) of the KMT2D gene, consists of a C to T substitution at nucleotide position 14878. This changes the amino acid from an arginine (R) to a stop codon at amino acid position 4960. This alteration is expected to result in loss of function by premature protein truncation or nonsense-mediated mRNA decay. for KMT2D-related Kabuki syndrome; however, it is unlikely to be causative of KMT2D-related multiple congenital anomalies disorder. This variant was not reported in population-based cohorts in the Genome Aggregation Database (gnomAD). This variant has been reported in multiple individuals with KMT2D-related Kabuki syndrome, including multiple cases of reported de novo occurrence (Paulussen, 2011; Banka, 2012; Aref-Eshghi, 2017; So, 2021; Levy, 2022). Based on the available evidence, this alteration is classified as pathogenic.

AURAGEN, Plan France Médecine Génomique
Classification: Pathogenic for Multiple congenital anomalies/dysmorphic syndrome-intellectual disability. Last evaluated: 2022-07-12. Review status: criteria provided, single submitter. Criteria: PFMG2025 (Lancet Reg Health Eur. 2025). Collection method: clinical testing. Allele origin: germline. Affected: yes.

Labcorp Genetics (formerly Invitae), Labcorp
Classification: Pathogenic for Kabuki syndrome. Last evaluated: 2022-04-07. Review status: criteria provided, single submitter. Criteria: Invitae Variant Classification Sherloc (09022015). Collection method: clinical testing. Allele origin: germline.
Comment: For these reasons, this variant has been classified as Pathogenic. Algorithms developed to predict the effect of sequence changes on RNA splicing suggest that this variant may create or strengthen a splice site. ClinVar contains an entry for this variant (Variation ID: 547499). This premature translational stop signal has been observed in individual(s) with Kabuki syndrome (PMID: 21280141). This variant is not present in population databases (gnomAD no frequency). This sequence change creates a premature translational stop signal (p.Arg4960*) in the KMT2D gene. It is expected to result in an absent or disrupted protein product. Loss-of-function variants in KMT2D are known to be pathogenic (PMID: 22126750).

Center for Human Genetics, Inc
Classification: Pathogenic for Kabuki syndrome 1. Last evaluated: 2016-11-01. Review status: criteria provided, single submitter. Criteria: ACMG Guidelines, 2015. Collection method: clinical testing. Allele origin: germline. Affected: yes.

PreventionGenetics, part of Exact Sciences
Classification: Pathogenic for KMT2D-related condition. Last evaluated: 2024-01-19. Review status: no assertion criteria provided. Collection method: clinical testing. Allele origin: germline. Not counted in ClinVar's aggregate classification.
Comment: The KMT2D c.14878C>T variant is predicted to result in premature protein termination (p.Arg4960*). This variant has been reported as a recurring de novo variant in multiple individuals with Kabuki Syndrome (Paulussen et al. 2011. PubMed ID: 21280141; So et al. 2021. PubMed ID: 33314698; internal cases at PreventionGenetics). This variant has not been reported in a large population database, indicating this variant is rare. Nonsense variants in KMT2D are expected to be pathogenic. Given the evidence, we interpret this variant as pathogenic.

Literature cited by the submitters: PubMed 21280141 (cited by Ambry Genetics and Labcorp Genetics (formerly Invitae), Labcorp); PubMed 22126750 (cited by Ambry Genetics and Labcorp Genetics (formerly Invitae), Labcorp); PubMed 28933623 (cited by Ambry Genetics); PubMed 33314698 (cited by Ambry Genetics); PubMed 35904121 (cited by Ambry Genetics).